The following is an entry in ClinVar:

NM_014629.4(ARHGEF10):c.2143+5G>C

Gene: ARHGEF10 (Rho guanine nucleotide exchange factor 10; plus strand). Cytogenetic location: 8p23.3.
Variant type: single nucleotide variant.
Coding change: c.2143+5G>C on transcript NM_014629.4 (MANE Select); 5 bases into the intron after coding-DNA position 2143, G replaced by C.
Molecular consequence: intron variant.
Genome position (GRCh38, 1-based): chr8:1,909,475, G>C. VCF-style: chr8-1909475-G-C. GRCh37 (hg19) VCF-style: chr8-1857641-G-C.
Other names: c.2026+5G>C (NM_001438092.1, NM_001438093.1); c.2146+5G>C (NM_001438091.1); c.2029+5G>C (NM_001308152.2, NM_001438094.1); c.2143+5G>C (NM_001308153.3).
Identifiers: ClinVar variation 2697044 (VCV002697044.3), dbSNP rs2537660035, ClinGen allele CA2697549734.
Genomic context (GRCh38, chr8:1,909,475, plus strand): 5'-GCACCTTGCCGTTCACCCGCCGGAGAGCCTGGCCGTGGTTGCTAACGCGAAACCAAGTAA[G>C]TGATGCTTTCTCTCACGTTCGTGCCGTGGGGCCAGGGTAACTCTCACGTTCATGCTAGCT-3'

ClinVar aggregate classification (germline): Uncertain significance (1 of 4 stars; one submission).

Submission:

Labcorp Genetics (formerly Invitae), Labcorp
Classification: Uncertain significance. Last evaluated: 2023-11-18. Review status: criteria provided, single submitter. Criteria: Invitae Variant Classification Sherloc (09022015). Collection method: clinical testing. Allele origin: germline.
Comment: This sequence change falls in intron 18 of the ARHGEF10 gene. It does not directly change the encoded amino acid sequence of the ARHGEF10 protein. It affects a nucleotide within the consensus splice site. This variant is not present in population databases (gnomAD no frequency). This variant has not been reported in the literature in individuals affected with ARHGEF10-related conditions. Variants that disrupt the consensus splice site are a relatively common cause of aberrant splicing (PMID: 17576681, 9536098). Algorithms developed to predict the effect of sequence changes on RNA splicing suggest that this variant may disrupt the consensus splice site. In summary, the available evidence is currently insufficient to determine the role of this variant in disease. Therefore, it has been classified as a Variant of Uncertain Significance.

Literature cited by the submitters: PubMed 17576681; PubMed 9536098.